The following is an entry in ClinVar:

NM_002291.3(LAMB1):c.1135C>T (p.Pro379Ser)

Gene: LAMB1 (laminin subunit beta 1; minus strand). Cytogenetic location: 7q31.1.
Variant type: single nucleotide variant.
Coding change: c.1135C>T on transcript NM_002291.3 (MANE Select); coding-DNA position 1135, C replaced by T.
Protein change: p.Pro379Ser; replaces proline 379 with serine.
Molecular consequence: missense variant.
Genome position (GRCh38, 1-based): chr7:107,975,743, G>A on the plus strand (C>T on the coding strand, the complement: LAMB1 is on the minus strand). VCF-style: chr7-107975743-G-A. GRCh37 (hg19) VCF-style: chr7-107616188-G-A.
Other names: short protein forms P379S.
Identifiers: ClinVar variation 380843 (VCV000380843.11), dbSNP rs28750165, ClinGen allele CA4436106.

ClinVar aggregate classification (germline): Benign. Review status: criteria provided, multiple submitters, no conflicts (2 of 4 stars). 3 submissions from 3 submitters: Benign (3). Last evaluated 2026-01-29.

Allele frequency attached by ClinVar (database versions not stated): gnomAD exomes 0.00574 and 0.01452; ExAC 0.01743; gnomAD 0.05084 and 0.05430; TOPMed 0.05707; ESP Exome Variant Server 0.06028; 1000 Genomes Project 0.06110; 1000 Genomes Project 30x 0.06496.
gnomAD v4.1: 16,484 of 1,613,708 alleles (1%); highest among the groups gnomAD compares: African/African-American, 17%; 1,183 homozygotes.

Submissions (3):

Labcorp Genetics (formerly Invitae), Labcorp
Classification: Benign. Last evaluated: 2026-01-29. Review status: criteria provided, single submitter. Criteria: Invitae Variant Classification Sherloc (09022015). Collection method: clinical testing. Allele origin: germline.

GeneDx
Classification: Benign. Last evaluated: 2016-03-14. Review status: criteria provided, single submitter. Criteria: GeneDx Variant Classification (06012015). Collection method: clinical testing. Allele origin: germline. Affected: yes.
Comment: This variant is considered likely benign or benign based on one or more of the following criteria: it is a conservative change, it occurs at a poorly conserved position in the protein, it is predicted to be benign by multiple in silico algorithms, and/or has population frequency not consistent with disease.

Breakthrough Genomics
Classification: Benign. Review status: criteria provided, single submitter. Criteria: ACMG Guidelines, 2015. Collection method: not provided. Allele origin: germline. Inheritance: Autosomal recessive inheritance. Affected: yes.